The following is an entry in ClinVar:

NM_001349253.2(SCN11A):c.5076G>T (p.Arg1692Ser)

Gene: SCN11A (sodium voltage-gated channel alpha subunit 11; minus strand). Cytogenetic location: 3p22.2.
Variant type: single nucleotide variant.
Coding change: c.5076G>T on transcript NM_001349253.2 (MANE Select); coding-DNA position 5076, G replaced by T.
Protein change: p.Arg1692Ser; replaces arginine 1692 with serine.
Molecular consequence: missense variant.
Genome position (GRCh38, 1-based): chr3:38,846,994, C>A on the plus strand (G>T on the coding strand, the complement: SCN11A is on the minus strand). VCF-style: chr3-38846994-C-A. GRCh37 (hg19) VCF-style: chr3-38888485-C-A.
Other names: c.5076G>T, p.Arg1692Ser (NM_014139.3); short protein forms R1692S.
Identifiers: ClinVar variation 4792715 (VCV004792715.1).
Genomic context (GRCh38, chr3:38,846,994, plus strand): 5'-CATGAACTTCTCTTCCATCATTGCTTTCATACTATCTAGGCCATCAGAGCCACCGAGTAC[C>A]CTAGCGGTGAAGGCGAAAAGAATATCCATGCAGTGGAGGCGATCTTCACTCACCATGGGC-3'
Protein context (NP_001336182.1, residues 1682-1702): CMDILFAFTA[Arg1692Ser]VLGGSDGLDS

ClinVar aggregate classification (germline): Uncertain significance (1 of 4 stars; one submission).

Conditions:
Familial episodic pain syndrome with predominantly lower limb involvement. Also called: Episodic pain syndrome, familial, 3. Identifiers: Orphanet 391384, Orphanet 391392, MedGen C3809899, MONDO:0014247, OMIM 615552.
Hereditary sensory and autonomic neuropathy type 7. Also called: Neuropathy, hereditary sensory and autonomic, type VII; HSAN VII. Identifiers: Orphanet 391397, MedGen C3809882, MONDO:0014244, OMIM 615548.

gnomAD v4.1: 1 of 1,614,092 alleles (0.000062%); highest among the groups gnomAD compares: Non-Finnish European, 0.000085%; no homozygotes.

Submission:

Labcorp Genetics (formerly Invitae), Labcorp
Classification: Uncertain significance for Familial episodic pain syndrome with predominantly lower limb involvement; Hereditary sensory and autonomic neuropathy type 7. Last evaluated: 2025-07-16. Review status: criteria provided, single submitter. Criteria: Invitae Variant Classification Sherloc (09022015). Collection method: clinical testing. Allele origin: germline.
Comment: This sequence change replaces arginine, which is basic and polar, with serine, which is neutral and polar, at codon 1692 of the SCN11A protein (p.Arg1692Ser). This variant is not present in population databases (gnomAD no frequency). This variant has not been reported in the literature in individuals affected with SCN11A-related conditions. Invitae Evidence Modeling of protein sequence and biophysical properties (such as structural, functional, and spatial information, amino acid conservation, physicochemical variation, residue mobility, and thermodynamic stability) indicates that this missense variant is expected to disrupt SCN11A protein function with a positive predictive value of 80%. In summary, the available evidence is currently insufficient to determine the role of this variant in disease. Therefore, it has been classified as a Variant of Uncertain Significance.